The following is an entry in ClinVar:

ClinVar aggregate classification (germline): Uncertain significance. Review status: criteria provided, single submitter (1 of 4 stars). 2 submissions from 1 submitter: Uncertain significance (1). 1 of the submissions does not count toward it. Last evaluated 2022-03-29.

Conditions:
Neuronal ceroid lipofuscinosis 7 (CLN7). Also called: MFSD8-Related Neuronal Ceroid-Lipofuscinosis. Identifiers: Orphanet 168491, Orphanet 228366, MedGen C1838571, MONDO:0012588, OMIM 610951.

Submissions (2):

Labcorp Genetics (formerly Invitae), Labcorp
Classification: Uncertain significance. Last evaluated: 2022-03-29. Review status: criteria provided, single submitter. Criteria: Invitae Variant Classification Sherloc (09022015). Collection method: clinical testing. Allele origin: germline.
Comment: A copy number gain of the genomic region encompassing the full coding sequence of the PLK4 gene has been identified. The boundaries of this event are unknown as they extend beyond the assayed region for this gene and therefore may encompass additional genes. As the precise location of this event is unknown, it may be in tandem or it may be located elsewhere in the genome. This variant has not been reported in the literature in individuals affected with PLK4-related conditions. In summary, the available evidence is currently insufficient to determine the role of this variant in disease. Therefore, it has been classified as a Variant of Uncertain Significance.

Labcorp Genetics (formerly Invitae), Labcorp
Classification: Uncertain significance for Neuronal ceroid lipofuscinosis 7. Last evaluated: 2020-08-18. Review status: flagged submission. Criteria: Invitae Variant Classification Sherloc (09022015). Collection method: clinical testing. Allele origin: germline. Not counted in ClinVar's aggregate classification.
Comment: This variant results in a copy number gain of the genomic region encompassing the full coding sequence of the MFSD8 gene. The boundaries of this event are unknown as they extend beyond the assayed region for this gene and therefore may encompass additional genes. As the precise location of this event is unknown, it may be in tandem or it may be located elsewhere in the genome. This variant has not been reported in the literature in individuals with MFSD8-related conditions. In summary, the available evidence is currently insufficient to determine the role of this variant in disease. Therefore, it has been classified as a Variant of Uncertain Significance.
ClinVar note: Reason: This record appears to be redundant with a more recent record from the same submitter.
ClinVar note: Notes: SCV001541173 appears to be redundant with SCV003792936.

NC_000004.11:g.(?_128554190)_(128886288_?)dup

Genes: SLC25A31 (solute carrier family 25 member 31; plus strand), PLK4 (polo like kinase 4; plus strand), INTU (inturned planar cell polarity protein; plus strand), MFSD8 (major facilitator superfamily domain containing 8; minus strand), HSPA4L (heat shock protein family A (Hsp70) member 4 like; plus strand). Cytogenetic location: 4q28.1-28.2.
Variant type: Duplication.
Identifiers: ClinVar variation 1042914 (VCV001042914.5).